The following is an entry in ClinVar:

ClinVar aggregate classification (germline): Uncertain significance (1 of 4 stars; one submission).

gnomAD v4.1: 2 of 1,613,962 alleles (0.00012%); highest among the groups gnomAD compares: Middle Eastern, 0.033%; no homozygotes.

Submission:

Labcorp Genetics (formerly Invitae), Labcorp
Classification: Uncertain significance. Last evaluated: 2025-09-24. Review status: criteria provided, single submitter. Criteria: Invitae Variant Classification Sherloc (09022015). Collection method: clinical testing. Allele origin: germline.
Comment: This sequence change replaces aspartic acid, which is acidic and polar, with glycine, which is neutral and non-polar, at codon 810 of the ASXL1 protein (p.Asp810Gly). This variant is present in population databases (rs765488094, gnomAD 0.0009%). This variant has not been reported in the literature in individuals affected with ASXL1-related conditions. An algorithm developed to predict the effect of missense changes on protein structure and function (PolyPhen-2) suggests that this variant is likely to be tolerated. In summary, the available evidence is currently insufficient to determine the role of this variant in disease. Therefore, it has been classified as a Variant of Uncertain Significance.

NM_015338.6(ASXL1):c.2429A>G (p.Asp810Gly)

Gene: ASXL1 (ASXL transcriptional regulator 1; plus strand). Cytogenetic location: 20q11.21.
Variant type: single nucleotide variant.
Coding change: c.2429A>G on transcript NM_015338.6 (MANE Select); coding-DNA position 2429, A replaced by G.
Protein change: p.Asp810Gly; replaces aspartic acid 810 with glycine.
Molecular consequence: missense variant.
Genome position (GRCh38, 1-based): chr20:32,435,141, A>G. VCF-style: chr20-32435141-A-G. GRCh37 (hg19) VCF-style: chr20-31022944-A-G.
Other names: c.2246A>G, p.Asp749Gly (NM_001363734.1); short protein forms D749G, D810G.
Identifiers: ClinVar variation 4703268 (VCV004703268.1).
Genomic context (GRCh38, chr20:32,435,141, plus strand): 5'-AGTCTGGCACCACTTCCTGGGAAAGTGATGATGAGGAGCAAGGACCCACCGTTCCTGCAG[A>G]CAATGGTCCCATTCCGTCTCTAGTGGGAGATGATACATTAGAGAAAGGAACTGGCCAAGC-3'
Protein context (NP_056153.2, residues 800-820): DEEQGPTVPA[Asp810Gly]NGPIPSLVGD